The following is an entry in ClinVar:

NM_000426.4(LAMA2):c.8613dup (p.Ser2872fs)

Gene: LAMA2 (laminin subunit alpha 2; plus strand). Cytogenetic location: 6q22.33.
Variant type: Duplication.
Coding change: c.8613dup on transcript NM_000426.4 (MANE Select); coding-DNA position 8613, one base duplicated (C; older notation c.8613dupC).
Protein change: p.Ser2872fs; shifts the reading frame from serine 2872.
Molecular consequence: frameshift variant.
Genome position (GRCh38, 1-based): chr6:129,505,265, C duplicated. VCF-style (leftmost placement, unchanged base first): chr6-129505264-T-TC. GRCh37 (hg19) VCF-style: chr6-129826409-T-TC.
Other names: c.8601dup, p.Ser2868fs (NM_001079823.2); short protein forms S2868fs, S2872fs.
Identifiers: ClinVar variation 1458457 (VCV001458457.7), dbSNP rs2114900655, ClinGen allele CA2573140502.

ClinVar aggregate classification (germline): Pathogenic. Review status: criteria provided, multiple submitters, no conflicts (2 of 4 stars). 2 submissions from 2 submitters: Pathogenic (2). Last evaluated 2024-02-24.

Conditions:
Merosin deficient congenital muscular dystrophy (MDC1A). Also called: Congenital Muscular Dystrophy Type 1A (MDC1A); Congenital merosin-deficient muscular dystrophy 1A. Identifiers: Orphanet 258, MedGen C1263858, MONDO:0011925, OMIM 607855.
LAMA2-related muscular dystrophy (LAMA2-RD). Also called: Laminin alpha 2-related dystrophy. Identifiers: MedGen C5679788, MONDO:0100228.

Submissions (2):

Labcorp Genetics (formerly Invitae), Labcorp
Classification: Pathogenic for LAMA2-related muscular dystrophy. Last evaluated: 2024-02-24. Review status: criteria provided, single submitter. Criteria: Invitae Variant Classification Sherloc (09022015). Collection method: clinical testing. Allele origin: germline.
Comment: This sequence change creates a premature translational stop signal (p.Ser2872Glnfs*34) in the LAMA2 gene. It is expected to result in an absent or disrupted protein product. Loss-of-function variants in LAMA2 are known to be pathogenic (PMID: 18700894, 32904964). This variant is not present in population databases (gnomAD no frequency). This premature translational stop signal has been observed in individual(s) with congenital muscular dystrophy (PMID: 18700894). ClinVar contains an entry for this variant (Variation ID: 1458457). For these reasons, this variant has been classified as Pathogenic.

Mendelics
Classification: Pathogenic for Merosin deficient congenital muscular dystrophy. Last evaluated: 2022-05-04. Review status: criteria provided, single submitter. Criteria: Mendelics Assertion Criteria 2019. Collection method: clinical testing. Allele origin: germline.

Literature cited by the submitters: PubMed 18700894 (cited by Labcorp Genetics (formerly Invitae), Labcorp); PubMed 32904964 (cited by Labcorp Genetics (formerly Invitae), Labcorp).